The following is an entry in ClinVar:

NM_001430.5(EPAS1):c.2510C>A (p.Pro837His)

Gene: EPAS1 (endothelial PAS domain protein 1; plus strand). Cytogenetic location: 2p21.
Variant type: single nucleotide variant.
Coding change: c.2510C>A on transcript NM_001430.5 (MANE Select); coding-DNA position 2510, C replaced by A.
Protein change: p.Pro837His; replaces proline 837 with histidine.
Molecular consequence: missense variant.
Genome position (GRCh38, 1-based): chr2:46,384,557, C>A. VCF-style: chr2-46384557-C-A. GRCh37 (hg19) VCF-style: chr2-46611696-C-A.
Other names: short protein forms P837H.
Identifiers: ClinVar variation 1792397 (VCV001792397.2), dbSNP rs1247944537, ClinGen allele CA346707027.

ClinVar aggregate classification (germline): Uncertain significance (1 of 4 stars; one submission).

Conditions:
Inborn genetic diseases. Identifiers: MedGen C0950123, MeSH D030342.

Allele frequency attached by ClinVar (database versions not stated): gnomAD exomes below 0.00001.
gnomAD v4.1: 4 of 1,614,198 alleles (0.00025%); highest among the groups gnomAD compares: Non-Finnish European, 0.00025%; no homozygotes.

Submission:

Ambry Genetics
Classification: Uncertain significance for Inborn genetic diseases. Last evaluated: 2022-09-03. Review status: criteria provided, single submitter. Criteria: Ambry Variant Classification Scheme 2023. Collection method: clinical testing. Allele origin: germline.
Comment: The p.P837H variant (also known as c.2510C>A), located in coding exon 16 of the EPAS1 gene, results from a C to A substitution at nucleotide position 2510. The proline at codon 837 is replaced by histidine, an amino acid with similar properties. This amino acid position is conserved. In addition, this alteration is predicted to be deleterious by in silico analysis. Since supporting evidence is limited at this time, the clinical significance of this alteration remains unclear.